The following is an entry in ClinVar:

NM_018972.4(GDAP1):c.475A>G (p.Arg159Gly)

Gene: GDAP1 (ganglioside induced differentiation associated protein 1; plus strand). Cytogenetic location: 8q21.11.
Variant type: single nucleotide variant.
Coding change: c.475A>G on transcript NM_018972.4 (MANE Select); coding-DNA position 475, A replaced by G.
Protein change: p.Arg159Gly; replaces arginine 159 with glycine.
Molecular consequence: missense variant. On other transcripts: intron variant (1).
Genome position (GRCh38, 1-based): chr8:74,360,301, A>G. VCF-style: chr8-74360301-A-G. GRCh37 (hg19) VCF-style: chr8-75272536-A-G.
Other names: c.271A>G, p.Arg91Gly (NM_001040875.4); c.148A>G, p.Arg50Gly (NM_001362929.2, NM_001362932.2); c.475A>G, p.Arg159Gly (NM_001362931.2); c.311-1583A>G (NM_001362930.2); short protein forms R159G, R50G, R91G.
Identifiers: ClinVar variation 854359 (VCV000854359.10), dbSNP rs1809303639, ClinGen allele CA371548944.

ClinVar aggregate classification (germline): Uncertain significance. Review status: criteria provided, multiple submitters, no conflicts (2 of 4 stars). 2 submissions from 2 submitters: Uncertain significance (2). Last evaluated 2025-04-04.

Conditions:
Charcot-Marie-Tooth disease type 4A. Also called: Charcot-Marie-Tooth disease, demyelinating, autosomal recessive, type 4a. Identifiers: Orphanet 99948, MedGen C1859198, MONDO:0008961, OMIM 214400.
Charcot-Marie-Tooth disease axonal type 2K (CMT2K). Also called: Charcot-Marie-Tooth disease type 2K; CHARCOT-MARIE-TOOTH DISEASE, AXONAL, AUTOSOMAL RECESSIVE, TYPE 2K; CHARCOT-MARIE-TOOTH NEUROPATHY, AXONAL, TYPE 2K. Identifiers: Orphanet 101097, Orphanet 99944, MedGen C1842983, MONDO:0011916, OMIM 607831.

gnomAD v4.1: 1 of 1,613,328 alleles (0.000062%); no homozygotes.

Submissions (2):

3billion
Classification: Uncertain significance for Charcot-Marie-Tooth disease axonal type 2K. Last evaluated: 2025-04-04. Review status: criteria provided, single submitter. Criteria: ACMG Guidelines, 2015. Collection method: clinical testing. Allele origin: germline. Affected: yes.

Labcorp Genetics (formerly Invitae), Labcorp
Classification: Uncertain significance for Charcot-Marie-Tooth disease type 4A. Last evaluated: 2024-01-22. Review status: criteria provided, single submitter. Criteria: Invitae Variant Classification Sherloc (09022015). Collection method: clinical testing. Allele origin: germline.
Comment: This sequence change replaces arginine, which is basic and polar, with glycine, which is neutral and non-polar, at codon 159 of the GDAP1 protein (p.Arg159Gly). This variant is not present in population databases (gnomAD no frequency). This missense change has been observed in individual(s) with clinical features of Charcot-Marie-Tooth disease (Invitae). ClinVar contains an entry for this variant (Variation ID: 854359). Advanced modeling of protein sequence and biophysical properties (such as structural, functional, and spatial information, amino acid conservation, physicochemical variation, residue mobility, and thermodynamic stability) performed at Invitae indicates that this missense variant is not expected to disrupt GDAP1 protein function with a negative predictive value of 80%. In summary, the available evidence is currently insufficient to determine the role of this variant in disease. Therefore, it has been classified as a Variant of Uncertain Significance.